The following is an entry in ClinVar:

ClinVar aggregate classification (germline): Uncertain significance. Review status: criteria provided, multiple submitters, no conflicts (2 of 4 stars). 3 submissions from 3 submitters: Uncertain significance (3). Last evaluated 2025-07-02.

Conditions:
Inborn genetic diseases. Identifiers: MedGen C0950123, MeSH D030342.

Allele frequency attached by ClinVar (database versions not stated): gnomAD 0.00008; gnomAD exomes 0.00013.
gnomAD v4.1: 196 of 1,613,842 alleles (0.012%); highest among the groups gnomAD compares: Non-Finnish European, 0.016%; no homozygotes.

Submissions (3):

Labcorp Genetics (formerly Invitae), Labcorp
Classification: Uncertain significance. Last evaluated: 2025-07-02. Review status: criteria provided, single submitter. Criteria: Invitae Variant Classification Sherloc (09022015). Collection method: clinical testing. Allele origin: germline.
Comment: This sequence change replaces threonine, which is neutral and polar, with asparagine, which is neutral and polar, at codon 1009 of the FN1 protein (p.Thr1009Asn). This variant is present in population databases (rs140828541, gnomAD 0.02%), and has an allele count higher than expected for a pathogenic variant. This variant has not been reported in the literature in individuals affected with FN1-related conditions. ClinVar contains an entry for this variant (Variation ID: 3016136). An algorithm developed to predict the effect of missense changes on protein structure and function (PolyPhen-2) suggests that this variant is likely to be tolerated. In summary, the available evidence is currently insufficient to determine the role of this variant in disease. Therefore, it has been classified as a Variant of Uncertain Significance.

CeGaT Center for Human Genetics Tuebingen
Classification: Uncertain significance. Last evaluated: 2025-02-01. Review status: criteria provided, single submitter. Criteria: CeGaT Center For Human Genetics Tuebingen Variant Classification Criteria Version 2. Collection method: clinical testing. Allele origin: germline. Affected: yes. Observed: 1 variant allele.
Comment: FN1: PP2, BP4

Ambry Genetics
Classification: Uncertain significance for Inborn genetic diseases. Last evaluated: 2023-10-17. Review status: criteria provided, single submitter. Criteria: Ambry Variant Classification Scheme 2023. Collection method: clinical testing. Allele origin: germline.

NM_212482.4(FN1):c.3026C>A (p.Thr1009Asn)

Gene: FN1 (fibronectin 1; minus strand). Cytogenetic location: 2q35.
Variant type: single nucleotide variant.
Coding change: c.3026C>A on transcript NM_212482.4 (MANE Select); coding-DNA position 3026, C replaced by A.
Protein change: p.Thr1009Asn; replaces threonine 1009 with asparagine.
Molecular consequence: missense variant.
Genome position (GRCh38, 1-based): chr2:215,404,616, G>T on the plus strand (C>A on the coding strand, the complement: FN1 is on the minus strand). VCF-style: chr2-215404616-G-T. GRCh37 (hg19) VCF-style: chr2-216269339-G-T.
Other names: c.3026C>A, p.Thr1009Asn (NM_001306129.2, NM_001306130.2, NM_001306131.2 and 13 more transcripts); c.3026C>A (NM_212482.1); short protein forms T1009N.
Identifiers: ClinVar variation 3016136 (VCV003016136.17), dbSNP rs140828541, ClinGen allele CA2094811.
Genomic context (GRCh38, chr2:215,404,616, plus strand): 5'-AGTCGGTATCCTGTTATCTGGGCCCGAGGTGGAGTCCATCTCACCAGGACAGTAGAATCA[G>T]TTTCATTGACAAACTGGAGGTTAGTGGGAGCATCCAGTTCTAGGAAAAAAGATGAAACAT-3'
Protein context (NP_997647.2, residues 999-1019): APTNLQFVNE[Thr1009Asn]DSTVLVRWTP